The following is an entry in ClinVar:

ClinVar aggregate classification (germline): Uncertain significance (1 of 4 stars; one submission).

gnomAD v4.1: 8 of 1,613,360 alleles (0.0005%); highest among the groups gnomAD compares: Non-Finnish European, 0.00068%; no homozygotes.

Submission:

GeneDx
Classification: Uncertain significance. Last evaluated: 2023-12-26. Review status: criteria provided, single submitter. Criteria: GeneDx Variant Classification Process June 2021. Collection method: clinical testing. Allele origin: germline. Affected: yes.
Comment: Not observed at significant frequency in large population cohorts (gnomAD); In silico analysis supports that this missense variant has a deleterious effect on protein structure/function; Has not been previously published as pathogenic or benign to our knowledge; This variant is associated with the following publications: (PMID: 22571692)

NM_003119.4(SPG7):c.1118T>C (p.Met373Thr)

Gene: SPG7 (SPG7 matrix AAA peptidase subunit, paraplegin; plus strand). Cytogenetic location: 16q24.3.
Variant type: single nucleotide variant.
Coding change: c.1118T>C on transcript NM_003119.4 (MANE Select); coding-DNA position 1118, T replaced by C.
Protein change: p.Met373Thr; replaces methionine 373 with threonine.
Molecular consequence: missense variant.
Genome position (GRCh38, 1-based): chr16:89,532,034, T>C. VCF-style: chr16-89532034-T-C. GRCh37 (hg19) VCF-style: chr16-89598442-T-C.
Other names: c.1118T>C, p.Met373Thr (NM_001363850.1, NM_199367.3); short protein forms M373T.
Identifiers: ClinVar variation 3370059 (VCV003370059.1).